The following is an entry in ClinVar:

NM_019032.6(ADAMTSL4):c.860A>C (p.Gln287Pro)

Genes: ADAMTSL4 (ADAMTS like 4; plus strand), ADAMTSL4-AS2 (ADAMTSL4 antisense RNA 2; minus strand). Cytogenetic location: 1q21.2.
Variant type: single nucleotide variant.
Coding change: c.860A>C on transcript NM_019032.6 (MANE Select); coding-DNA position 860, A replaced by C.
Protein change: p.Gln287Pro; replaces glutamine 287 with proline.
Molecular consequence: missense variant.
Genome position (GRCh38, 1-based): chr1:150,553,851, A>C. VCF-style: chr1-150553851-A-C. GRCh37 (hg19) VCF-style: chr1-150526327-A-C.
Other names: c.860A>C, p.Gln287Pro (NM_001288607.2, NM_001288608.2, NM_001378596.1 and 1 more transcripts); c.860A>C (NM_019032.4); short protein forms Q287P.
Identifiers: ClinVar variation 1989342 (VCV001989342.2), dbSNP rs755408161, ClinGen allele CA1078053.
Genomic context (GRCh38, chr1:150,553,851, plus strand): 5'-ACTCCTTAGGAGAAGGTGGCTTCTTCCGTGCATCCCCTCAGCCACGAAGGCCAAGTTCCC[A>C]GGGTTGGGCCAGTCCCCAGGTAGCAGGGAGACGCCCTGATCCTTTTCCTTCGGTCCCTCG-3'
Protein context (NP_061905.2, residues 277-297): ASPQPRRPSS[Gln287Pro]GWASPQVAGR

ClinVar aggregate classification (germline): Uncertain significance. Review status: criteria provided, multiple submitters, no conflicts (2 of 4 stars). 2 submissions from 2 submitters: Uncertain significance (2). Last evaluated 2024-08-12.

Conditions:
Inborn genetic diseases. Identifiers: MedGen C0950123, MeSH D030342.

Allele frequency attached by ClinVar (database versions not stated): ExAC 0.00002; TOPMed 0.00005; gnomAD 0.00008.
gnomAD v4.1: 79 of 1,613,926 alleles (0.0049%); highest among the groups gnomAD compares: Non-Finnish European, 0.006%; no homozygotes.

Submissions (2):

Ambry Genetics
Classification: Uncertain significance for Inborn genetic diseases. Last evaluated: 2024-08-12. Review status: criteria provided, single submitter. Criteria: Ambry Variant Classification Scheme 2023. Collection method: clinical testing. Allele origin: germline.

Labcorp Genetics (formerly Invitae), Labcorp
Classification: Uncertain significance. Last evaluated: 2022-07-01. Review status: criteria provided, single submitter. Criteria: Invitae Variant Classification Sherloc (09022015). Collection method: clinical testing. Allele origin: germline.
Comment: This sequence change replaces glutamine, which is neutral and polar, with proline, which is neutral and non-polar, at codon 287 of the ADAMTSL4 protein (p.Gln287Pro). This variant is present in population databases (rs755408161, gnomAD 0.007%). This variant has not been reported in the literature in individuals affected with ADAMTSL4-related conditions. Algorithms developed to predict the effect of missense changes on protein structure and function output the following: SIFT: "Tolerated"; PolyPhen-2: "Benign"; Align-GVGD: "Class C0". The proline amino acid residue is found in multiple mammalian species, which suggests that this missense change does not adversely affect protein function. In summary, the available evidence is currently insufficient to determine the role of this variant in disease. Therefore, it has been classified as a Variant of Uncertain Significance.